The following is an entry in ClinVar:

ClinVar aggregate classification (germline): Likely benign (0 of 4 stars; one submission).

Conditions:
SCRIB-related disorder. Also called: SCRIB-related condition.

Allele frequency attached by ClinVar (database versions not stated): gnomAD exomes 0.00004; 1000 Genomes Project 30x 0.00016; 1000 Genomes Project 0.00020; ExAC 0.00020; ESP Exome Variant Server 0.00023; gnomAD 0.00034; TOPMed 0.00044.
gnomAD v4.1: 112 of 1,557,534 alleles (0.0072%); highest among the groups gnomAD compares: African/African-American, 0.13%; no homozygotes.

Submission:

PreventionGenetics, part of Exact Sciences
Classification: Likely benign for SCRIB-related condition. Last evaluated: 2019-05-04. Review status: no assertion criteria provided. Collection method: clinical testing. Allele origin: germline.
Comment: This variant is classified as likely benign based on ACMG/AMP sequence variant interpretation guidelines (Richards et al. 2015 PMID: 25741868, with internal and published modifications).

NM_182706.5(SCRIB):c.4514+8C>T

Gene: SCRIB (scribble planar cell polarity protein; minus strand). Cytogenetic location: 8q24.3.
Variant type: single nucleotide variant.
Coding change: c.4514+8C>T on transcript NM_182706.5 (MANE Select); 8 bases into the intron after coding-DNA position 4514, C replaced by T.
Molecular consequence: intron variant.
Genome position (GRCh38, 1-based): chr8:143,792,212, G>A on the plus strand (C>T on the coding strand, the complement: SCRIB is on the minus strand). VCF-style: chr8-143792212-G-A. GRCh37 (hg19) VCF-style: chr8-144874382-G-A.
Other names: c.4514+8C>T (NM_015356.5).
Identifiers: ClinVar variation 3037922 (VCV003037922.2), dbSNP rs376037864, ClinGen allele CA4918204.